The following is an entry in ClinVar:

ClinVar aggregate classification (germline): Uncertain significance. Review status: criteria provided, multiple submitters, no conflicts (2 of 4 stars). 2 submissions from 2 submitters: Uncertain significance (2). Last evaluated 2023-12-28.

Conditions:
Inborn genetic diseases. Identifiers: MedGen C0950123, MeSH D030342.
Pulmonary fibrosis and/or bone marrow failure, Telomere-related, 3. Also called: PULMONARY FIBROSIS AND/OR BONE MARROW FAILURE SYNDROME, TELOMERE-RELATED, 3. Identifiers: Orphanet 2032, MedGen C4225346, MONDO:0014613, OMIM 616373.
Dyskeratosis congenita, autosomal recessive 5 (DKCB5). Identifiers: MedGen C3554656, MONDO:0014076, OMIM 615190.

Allele frequency attached by ClinVar (database versions not stated): gnomAD exomes below 0.00001; TOPMed below 0.00001; gnomAD 0.00001.
gnomAD v4.1: 2 of 1,611,844 alleles (0.00012%); highest among the groups gnomAD compares: Admixed American, 0.0017%; no homozygotes.

Submissions (2):

Labcorp Genetics (formerly Invitae), Labcorp
Classification: Uncertain significance for Dyskeratosis congenita, autosomal recessive 5; Pulmonary fibrosis and/or bone marrow failure, Telomere-related, 3. Last evaluated: 2023-12-28. Review status: criteria provided, single submitter. Criteria: Invitae Variant Classification Sherloc (09022015). Collection method: clinical testing. Allele origin: germline.
Comment: This sequence change replaces alanine, which is neutral and non-polar, with threonine, which is neutral and polar, at codon 1052 of the RTEL1 protein (p.Ala1052Thr). This variant is present in population databases (no rsID available, gnomAD 0.003%). This variant has not been reported in the literature in individuals affected with RTEL1-related conditions. ClinVar contains an entry for this variant (Variation ID: 1364930). Algorithms developed to predict the effect of missense changes on protein structure and function output the following: SIFT: "Not Available"; PolyPhen-2: "Benign"; Align-GVGD: "Not Available". The threonine amino acid residue is found in multiple mammalian species, which suggests that this missense change does not adversely affect protein function. In summary, the available evidence is currently insufficient to determine the role of this variant in disease. Therefore, it has been classified as a Variant of Uncertain Significance.

Ambry Genetics
Classification: Uncertain significance for Inborn genetic diseases. Last evaluated: 2022-12-02. Review status: criteria provided, single submitter. Criteria: Ambry Variant Classification Scheme 2023. Collection method: clinical testing. Allele origin: germline.

NM_001283009.2(RTEL1):c.3154G>A (p.Ala1052Thr)

Genes: RTEL1 (regulator of telomere elongation helicase 1; plus strand), RTEL1-TNFRSF6B (RTEL1-TNFRSF6B readthrough (NMD candidate); plus strand). Cytogenetic location: 20q13.33.
Variant type: single nucleotide variant.
Coding change: c.3154G>A on transcript NM_001283009.2 (MANE Select); coding-DNA position 3154, G replaced by A.
Protein change: p.Ala1052Thr; replaces alanine 1052 with threonine.
Molecular consequence: missense variant. On other transcripts: non-coding transcript variant (1).
Genome position (GRCh38, 1-based): chr20:63,694,785, G>A. VCF-style: chr20-63694785-G-A. GRCh37 (hg19) VCF-style: chr20-62326138-G-A.
Other names: c.2485G>A, p.Ala829Thr (NM_001283010.1); c.3154G>A, p.Ala1052Thr (NM_016434.4); c.3226G>A, p.Ala1076Thr (NM_032957.5); c.3226G>A (NM_032957.4); short protein forms A1076T, A1052T, A829T.
Identifiers: ClinVar variation 1364930 (VCV001364930.7), dbSNP rs1266676069, ClinGen allele CA409684857.